The following is an entry in ClinVar:

NM_153717.3(EVC):c.549C>T (p.Ser183=)

Gene: EVC (EvC ciliary complex subunit 1; plus strand). Cytogenetic location: 4p16.2.
Variant type: single nucleotide variant.
Coding change: c.549C>T on transcript NM_153717.3 (MANE Select); coding-DNA position 549, C replaced by T.
Protein change: p.Ser183=; no amino-acid change (serine 183 retained).
Molecular consequence: synonymous variant.
Genome position (GRCh38, 1-based): chr4:5,731,589, C>T. VCF-style: chr4-5731589-C-T. GRCh37 (hg19) VCF-style: chr4-5733316-C-T.
Other names: c.549C>T, p.Ser183= (NM_001306090.2, NM_001306092.2).
Identifiers: ClinVar variation 461815 (VCV000461815.36), dbSNP rs201071908, ClinGen allele CA2835733.

ClinVar aggregate classification (germline): Likely benign. Review status: criteria provided, multiple submitters, no conflicts (2 of 4 stars). 3 submissions from 3 submitters: Likely benign (3). Last evaluated 2026-01-22.

Conditions:
Ellis-van Creveld syndrome (EVC). Also called: MESOECTODERMAL DYSPLASIA; Chondroectodermal dysplasia. Identifiers: Orphanet 289, MedGen C0013903, MONDO:0009162, OMIM 225500.
Curry-Hall syndrome (WAD). Also called: WEYERS ACRODENTAL DYSOSTOSIS. Identifiers: Orphanet 952, MedGen C0457013, MONDO:0008673, OMIM 193530.

Allele frequency attached by ClinVar (database versions not stated): ExAC 0.00002; gnomAD 0.00005 and 0.00006; gnomAD exomes 0.00005 and 0.00013; TOPMed 0.00006.
gnomAD v4.1: 199 of 1,614,138 alleles (0.012%); highest among the groups gnomAD compares: Middle Eastern, 0.033%; 1 homozygote.

Submissions (3):

Labcorp Genetics (formerly Invitae), Labcorp
Classification: Likely benign for Curry-Hall syndrome; Ellis-van Creveld syndrome. Last evaluated: 2026-01-22. Review status: criteria provided, single submitter. Criteria: Invitae Variant Classification Sherloc (09022015). Collection method: clinical testing. Allele origin: germline.

Blueprint Genetics
Classification: Likely benign. Last evaluated: 2024-09-06. Review status: criteria provided, single submitter. Criteria: ACMG Guidelines, 2015. Collection method: clinical testing. Allele origin: germline.

CeGaT Center for Human Genetics Tuebingen
Classification: Likely benign. Last evaluated: 2023-10-01. Review status: criteria provided, single submitter. Criteria: CeGaT Center For Human Genetics Tuebingen Variant Classification Criteria Version 2. Collection method: clinical testing. Allele origin: germline. Affected: yes. Observed: 1 variant allele.
Comment: EVC: BP4, BP7